The following is an entry in ClinVar:

NM_005591.4(MRE11):c.703G>T (p.Asp235Tyr)

Gene: MRE11 (MRE11 double strand break repair nuclease; minus strand). Cytogenetic location: 11q21.
Variant type: single nucleotide variant.
Coding change: c.703G>T on transcript NM_005591.4 (MANE Select); coding-DNA position 703, G replaced by T.
Protein change: p.Asp235Tyr; replaces aspartic acid 235 with tyrosine.
Molecular consequence: missense variant.
Genome position (GRCh38, 1-based): chr11:94,471,716, C>A on the plus strand (G>T on the coding strand, the complement: MRE11 is on the minus strand). VCF-style: chr11-94471716-C-A. GRCh37 (hg19) VCF-style: chr11-94204882-C-A.
Other names: c.703G>T, p.Asp235Tyr (NM_001440478.1, NM_001440480.1, NM_001440481.1 and 18 more transcripts); c.628G>T, p.Asp210Tyr (NM_001440479.1, NM_001440471.1, NM_001440472.1); c.358G>T, p.Asp120Tyr (NM_001440482.1, NM_001440483.1, NM_001440484.1); c.235G>T, p.Asp79Tyr (NM_001440485.1, NM_001440486.1, NM_001440487.1); short protein forms D210Y, D235Y, D79Y, D120Y.
Identifiers: ClinVar variation 4826832 (VCV004826832.1).
Genomic context (GRCh38, chr11:94,471,716, plus strand): 5'-TGGTTGGAGCTATTTTACACTCATGTTCATGGCCCCAGATAACAAGATCAATGAAGTCAT[C>A]CAAAAATTGTTCTGGAATGAAGTTAGTACTTCCATGTTTACTCCTGTATCAAGATTTTGA-3'
Protein context (NP_005582.1, residues 225-245): STNFIPEQFL[Asp235Tyr]DFIDLVIWGH

ClinVar aggregate classification (germline): Uncertain significance (1 of 4 stars; one submission).

Conditions:
Hereditary cancer-predisposing syndrome. Also called: Neoplastic Syndromes, Hereditary; Tumor predisposition; Hereditary Cancer Syndrome; Hereditary neoplastic syndrome. Identifiers: Orphanet 140162, MedGen C0027672, MeSH D009386, MONDO:0015356.

Submission:

Ambry Genetics
Classification: Uncertain significance for Hereditary cancer-predisposing syndrome. Last evaluated: 2026-03-06. Review status: criteria provided, single submitter. Criteria: Ambry Variant Classification Scheme 2023. Collection method: clinical testing. Allele origin: germline.
Comment: The p.D235Y variant (also known as c.703G>T), located in coding exon 7 of the MRE11A gene, results from a G to T substitution at nucleotide position 703. The aspartic acid at codon 235 is replaced by tyrosine, an amino acid with highly dissimilar properties. This amino acid position is conserved. In addition, the in silico prediction for this alteration is inconclusive. Based on the available evidence, the clinical significance of this variant remains unclear.